The following is an entry in ClinVar:

ClinVar aggregate classification (germline): Uncertain significance (1 of 4 stars; one submission).

Submission:

Labcorp Genetics (formerly Invitae), Labcorp
Classification: Uncertain significance. Last evaluated: 2026-01-21. Review status: criteria provided, single submitter. Criteria: Invitae Variant Classification Sherloc (09022015). Collection method: clinical testing. Allele origin: germline.
Comment: This sequence change replaces aspartic acid, which is acidic and polar, with alanine, which is neutral and non-polar, at codon 3256 of the VCAN protein (p.Asp3256Ala). This variant is not present in population databases (gnomAD no frequency). This variant has not been reported in the literature in individuals affected with VCAN-related conditions. ClinVar contains an entry for this variant (Variation ID: 2741106). An algorithm developed to predict the effect of missense changes on protein structure and function (PolyPhen-2) suggests that this variant is likely to be disruptive. In summary, the available evidence is currently insufficient to determine the role of this variant in disease. Therefore, it has been classified as a Variant of Uncertain Significance.

NM_004385.5(VCAN):c.9767A>C (p.Asp3256Ala)

Gene: VCAN (versican; plus strand). Cytogenetic location: 5q14.3.
Variant type: single nucleotide variant.
Coding change: c.9767A>C on transcript NM_004385.5 (MANE Select); coding-DNA position 9767, A replaced by C.
Protein change: p.Asp3256Ala; replaces aspartic acid 3256 with alanine.
Molecular consequence: missense variant.
Genome position (GRCh38, 1-based): chr5:83,572,447, A>C. VCF-style: chr5-83572447-A-C. GRCh37 (hg19) VCF-style: chr5-82868266-A-C.
Other names: c.1544A>C, p.Asp515Ala (NM_001126336.3); c.6806A>C, p.Asp2269Ala (NM_001164097.2); c.4505A>C, p.Asp1502Ala (NM_001164098.2); short protein forms D515A, D2269A, D3256A, D1502A.
Identifiers: ClinVar variation 2741106 (VCV002741106.3), dbSNP rs2479169578, ClinGen allele CA360298603.
Genomic context (GRCh38, chr5:83,572,447, plus strand): 5'-GTAGTTACCTTCTCCCTCCATTTTTACAGCAATACGAGAATTGGAGACCCAACCAGCCAG[A>C]CAGCTTCTTTTCTGCTGGAGAAGACTGTGTTGTAATCATTTGGCATGAGAATGGCCAGTG-3'
Protein context (NP_004376.2, residues 3246-3266): QYENWRPNQP[Asp3256Ala]SFFSAGEDCV